The following is an entry in ClinVar:

ClinVar aggregate classification (germline): Uncertain significance (1 of 4 stars; one submission).

Conditions:
Vitamin B2 deficiency. Identifiers: MedGen C0035528.

Allele frequency attached by ClinVar (database versions not stated): gnomAD 0.00014 and 0.00013; TOPMed 0.00014; ESP Exome Variant Server 0.00038; 1000 Genomes Project 0.00040; 1000 Genomes Project 30x 0.00047; gnomAD exomes 0.00005 and 0.00007; ExAC 0.00008.
gnomAD v4.1: 101 of 1,614,240 alleles (0.0063%); highest among the groups gnomAD compares: African/African-American, 0.032%; no homozygotes.

Submission:

Labcorp Genetics (formerly Invitae), Labcorp
Classification: Uncertain significance for Vitamin B2 deficiency. Last evaluated: 2025-10-29. Review status: criteria provided, single submitter. Criteria: Invitae Variant Classification Sherloc (09022015). Collection method: clinical testing. Allele origin: germline.
Comment: This sequence change replaces alanine, which is neutral and non-polar, with threonine, which is neutral and polar, at codon 210 of the SLC52A1 protein (p.Ala210Thr). This variant is present in population databases (rs139373407, gnomAD 0.05%). This missense change has been observed in individual(s) with multiple acyl-CoA dehydrogenase deficiency (MADD) (PMID: 23506902). ClinVar contains an entry for this variant (Variation ID: 527955). Invitae Evidence Modeling of protein sequence and biophysical properties (such as structural, functional, and spatial information, amino acid conservation, physicochemical variation, residue mobility, and thermodynamic stability) indicates that this missense variant is not expected to disrupt SLC52A1 protein function with a negative predictive value of 80%. In summary, the available evidence is currently insufficient to determine the role of this variant in disease. Therefore, it has been classified as a Variant of Uncertain Significance.

Literature cited by the submitters: PubMed 23506902.

NM_017986.4(SLC52A1):c.628G>A (p.Ala210Thr)

Gene: SLC52A1 (solute carrier family 52 member 1; minus strand). Cytogenetic location: 17p13.2.
Variant type: single nucleotide variant.
Coding change: c.628G>A on transcript NM_017986.4 (MANE Select); coding-DNA position 628, G replaced by A.
Protein change: p.Ala210Thr; replaces alanine 210 with threonine.
Molecular consequence: missense variant.
Genome position (GRCh38, 1-based): chr17:5,033,861, C>T on the plus strand (G>A on the coding strand, the complement: SLC52A1 is on the minus strand). VCF-style: chr17-5033861-C-T. GRCh37 (hg19) VCF-style: chr17-4937156-C-T.
Other names: c.628G>A, p.Ala210Thr (NM_001104577.2); short protein forms A210T.
Identifiers: ClinVar variation 527955 (VCV000527955.12), dbSNP rs139373407, ClinGen allele CA8319745.